The following is an entry in ClinVar:

NM_000238.4(KCNH2):c.2763_2772del (p.Arg922fs)

Gene: KCNH2 (potassium voltage-gated channel subfamily H member 2; minus strand). Cytogenetic location: 7q36.1.
Variant type: Deletion.
Coding change: c.2763_2772del on transcript NM_000238.4 (MANE Select); coding-DNA positions 2763 to 2772, 10 bases deleted (CCGGCCGGGG; older notation c.2763_2772delCCGGCCGGGG).
Protein change: p.Arg922fs; shifts the reading frame from arginine 922.
Molecular consequence: frameshift variant.
Genome position (GRCh38, 1-based): chr7:150,947,799-150,947,808, CCCCGGCCGG deleted on the plus strand (CCGGCCGGGG on the coding strand, the reverse complement: KCNH2 is on the minus strand); deleting any 10 consecutive bases within chr7:150,947,799-150,947,815 gives the same sequence; the c. name uses the placement nearest the transcript's 3' end. VCF-style (leftmost placement, unchanged base first): chr7-150947798-CCCCCGGCCGG-C. GRCh37 (hg19) VCF-style: chr7-150644886-CCCCCGGCCGG-C.
Other names: c.1743_1752del, p.Arg582fs (NM_172057.3); c.2763_2772del10 (NM_000238.3); short protein forms R582fs, R922fs.
Identifiers: ClinVar variation 519509 (VCV000519509.9), dbSNP rs1554424390, ClinGen allele CA658797033.

ClinVar aggregate classification (germline): Pathogenic. Review status: criteria provided, multiple submitters, no conflicts (2 of 4 stars). 2 submissions from 2 submitters: Pathogenic (2). Last evaluated 2022-09-27.

Conditions:
Cardiovascular phenotype. Identifiers: MedGen CN230736.
Long QT syndrome (LQTS). Identifiers: MedGen C0023976, MeSH D008133, MONDO:0002442. Disease mechanism: loss of function. Inheritance: Various modes of inheritance.

Submissions (2):

Labcorp Genetics (formerly Invitae), Labcorp
Classification: Pathogenic for Long QT syndrome. Last evaluated: 2022-09-27. Review status: criteria provided, single submitter. Criteria: Invitae Variant Classification Sherloc (09022015). Collection method: clinical testing. Allele origin: germline.
Comment: This variant is not present in population databases (gnomAD no frequency). This premature translational stop signal has been observed in individual(s) with KCNH2-related conditions (PMID: 26688388). ClinVar contains an entry for this variant (Variation ID: 519509). For these reasons, this variant has been classified as Pathogenic. This sequence change creates a premature translational stop signal (p.Arg922Glyfs*49) in the KCNH2 gene. It is expected to result in an absent or disrupted protein product. Loss-of-function variants in KCNH2 are known to be pathogenic (PMID: 10973849, 19862833).

Ambry Genetics
Classification: Pathogenic for Cardiovascular phenotype. Last evaluated: 2017-08-31. Review status: criteria provided, single submitter. Criteria: Ambry Variant Classification Scheme 2023. Collection method: clinical testing. Allele origin: germline.
Comment: The c.2763_2772del10 pathogenic mutation, located in coding exon 12 of the KCNH2 gene, results from a deletion of 10 nucleotides at nucleotide positions 2763 to 2772, causing a translational frameshift with a predicted alternate stop codon (p.R922Gfs*49). This alteration is expected to result in loss of function by premature protein truncation or nonsense-mediated mRNA decay. As such, this alteration is interpreted as a disease-causing mutation.

Literature cited by the submitters: PubMed 26688388 (cited by Labcorp Genetics (formerly Invitae), Labcorp); PubMed 10973849 (cited by Labcorp Genetics (formerly Invitae), Labcorp); PubMed 19862833 (cited by Labcorp Genetics (formerly Invitae), Labcorp).